The following is an entry in ClinVar:

ClinVar aggregate classification (germline): Uncertain significance. Review status: criteria provided, multiple submitters, no conflicts (2 of 4 stars). 2 submissions from 2 submitters: Uncertain significance (2). Last evaluated 2025-06-14.

Conditions:
Hereditary cancer-predisposing syndrome. Also called: Tumor predisposition; Hereditary Cancer Syndrome; Hereditary neoplastic syndrome; Neoplastic Syndromes, Hereditary. Identifiers: Orphanet 140162, MedGen C0027672, MeSH D009386, MONDO:0015356.
BAP1-related tumor predisposition syndrome (TPDS1). Also called: Tumor susceptibility linked to germline BAP1 mutations; BAP1 tumor predisposition syndrome; COMMON Syndrome; TUMOR PREDISPOSITION SYNDROME 1. Identifiers: Orphanet 289539, MedGen C3280492, MONDO:0013692, OMIM 614327.

Allele frequency attached by ClinVar (database versions not stated): TOPMed below 0.00001; gnomAD 0.00001.
gnomAD v4.1: 2 of 1,614,084 alleles (0.00012%); highest among the groups gnomAD compares: East Asian, 0.0022%; no homozygotes.

Submissions (2):

Ambry Genetics
Classification: Uncertain significance for Hereditary cancer-predisposing syndrome. Last evaluated: 2025-06-14. Review status: criteria provided, single submitter. Criteria: Ambry Variant Classification Scheme 2023. Collection method: clinical testing. Allele origin: germline.
Comment: The p.I239V variant (also known as c.715A>G), located in coding exon 9 of the BAP1 gene, results from an A to G substitution at nucleotide position 715. The isoleucine at codon 239 is replaced by valine, an amino acid with highly similar properties. This amino acid position is conserved. In addition, this alteration is predicted to be tolerated by in silico analysis. Based on the available evidence, the clinical significance of this variant remains unclear.

Labcorp Genetics (formerly Invitae), Labcorp
Classification: Uncertain significance for BAP1-related tumor predisposition syndrome. Last evaluated: 2024-04-22. Review status: criteria provided, single submitter. Criteria: Invitae Variant Classification Sherloc (09022015). Collection method: clinical testing. Allele origin: germline.
Comment: This sequence change replaces isoleucine, which is neutral and non-polar, with valine, which is neutral and non-polar, at codon 239 of the BAP1 protein (p.Ile239Val). This variant is not present in population databases (gnomAD no frequency). This variant has not been reported in the literature in individuals affected with BAP1-related conditions. ClinVar contains an entry for this variant (Variation ID: 1481963). Advanced modeling of protein sequence and biophysical properties (such as structural, functional, and spatial information, amino acid conservation, physicochemical variation, residue mobility, and thermodynamic stability) performed at Invitae indicates that this missense variant is not expected to disrupt BAP1 protein function with a negative predictive value of 80%. In summary, the available evidence is currently insufficient to determine the role of this variant in disease. Therefore, it has been classified as a Variant of Uncertain Significance.

NM_004656.4(BAP1):c.715A>G (p.Ile239Val)

Gene: BAP1 (BRCA1 associated deubiquitinase 1; minus strand). Cytogenetic location: 3p21.1.
Variant type: single nucleotide variant.
Coding change: c.715A>G on transcript NM_004656.4 (MANE Select); coding-DNA position 715, A replaced by G.
Protein change: p.Ile239Val; replaces isoleucine 239 with valine.
Molecular consequence: missense variant.
Genome position (GRCh38, 1-based): chr3:52,406,321, T>C on the plus strand (A>G on the coding strand, the complement: BAP1 is on the minus strand). VCF-style: chr3-52406321-T-C. GRCh37 (hg19) VCF-style: chr3-52440337-T-C.
Other names: c.715A>G (NM_004656.2); short protein forms I239V.
Identifiers: ClinVar variation 1481963 (VCV001481963.9), dbSNP rs953111687, ClinGen allele CA74743210.